The following is an entry in ClinVar:

NM_006231.4(POLE):c.2270C>T (p.Thr757Ile)

Gene: POLE (DNA polymerase epsilon, catalytic subunit; minus strand). Cytogenetic location: 12q24.33.
Variant type: single nucleotide variant.
Coding change: c.2270C>T on transcript NM_006231.4 (MANE Select); coding-DNA position 2270, C replaced by T.
Protein change: p.Thr757Ile; replaces threonine 757 with isoleucine.
Molecular consequence: missense variant.
Genome position (GRCh38, 1-based): chr12:132,667,552, G>A on the plus strand (C>T on the coding strand, the complement: POLE is on the minus strand). VCF-style: chr12-132667552-G-A. GRCh37 (hg19) VCF-style: chr12-133244138-G-A.
Other names: c.2270C>T (NM_006231.2); short protein forms T757I.
Identifiers: ClinVar variation 1019248 (VCV001019248.11), dbSNP rs1565964638, ClinGen allele CA387352166.

ClinVar aggregate classification (germline): Uncertain significance. Review status: criteria provided, multiple submitters, no conflicts (2 of 4 stars). 3 submissions from 3 submitters: Uncertain significance (2). 1 of the submissions does not count toward it. Last evaluated 2024-08-14.

Conditions:
Polymerase proofreading-related adenomatous polyposis. Also called: Polymerase proofreading associated polyposis; Polymerase proofreading–associated polyposis (PPAP). Identifiers: Orphanet 447877, MedGen C5202613, MONDO:0018653.
Hereditary cancer-predisposing syndrome. Also called: Tumor predisposition; Neoplastic Syndromes, Hereditary; Hereditary neoplastic syndrome; Hereditary Cancer Syndrome. Identifiers: Orphanet 140162, MedGen C0027672, MeSH D009386, MONDO:0015356.

Allele frequency attached by ClinVar (database versions not stated): gnomAD exomes below 0.00001.
gnomAD v4.1: 1 of 1,614,164 alleles (0.000062%); highest among the groups gnomAD compares: Non-Finnish European, 0.000085%; no homozygotes.

Submissions (3):

Labcorp Genetics (formerly Invitae), Labcorp
Classification: Uncertain significance. Last evaluated: 2024-08-14. Review status: criteria provided, single submitter. Criteria: Invitae Variant Classification Sherloc (09022015). Collection method: clinical testing. Allele origin: germline.
Comment: This sequence change replaces threonine, which is neutral and polar, with isoleucine, which is neutral and non-polar, at codon 757 of the POLE protein (p.Thr757Ile). This variant is not present in population databases (gnomAD no frequency). This variant has not been reported in the literature in individuals affected with POLE-related conditions. ClinVar contains an entry for this variant (Variation ID: 1019248). Invitae Evidence Modeling of protein sequence and biophysical properties (such as structural, functional, and spatial information, amino acid conservation, physicochemical variation, residue mobility, and thermodynamic stability) indicates that this missense variant is expected to disrupt POLE protein function with a positive predictive value of 80%. In summary, the available evidence is currently insufficient to determine the role of this variant in disease. Therefore, it has been classified as a Variant of Uncertain Significance.

Ambry Genetics
Classification: Uncertain significance for Hereditary cancer-predisposing syndrome. Last evaluated: 2023-11-03. Review status: criteria provided, single submitter. Criteria: Ambry Variant Classification Scheme 2023. Collection method: clinical testing. Allele origin: germline.
Comment: The p.T757I variant (also known as c.2270C>T), located in coding exon 20 of the POLE gene, results from a C to T substitution at nucleotide position 2270. The threonine at codon 757 is replaced by isoleucine, an amino acid with similar properties. This amino acid position is conserved. In addition, this alteration is predicted to be deleterious by in silico analysis. Since supporting evidence is limited at this time, the clinical significance of this alteration remains unclear.

Department of Pathology and Laboratory Medicine, Sinai Health System
Classification: Uncertain significance for Polymerase proofreading-related adenomatous polyposis. Review status: no assertion criteria provided. Collection method: clinical testing. Allele origin: unknown. Affected: yes. Study: The Canadian Open Genetics Repository (COGR). Not counted in ClinVar's aggregate classification.
Comment: The POLE p.Thr757Ile variant was not identified in the literature nor was it identified in the dbSNP, ClinVar, Cosmic, MutDB, the Exome Aggregation Consortium (August 8th 2016) or the Genome Aggregation Database (Feb 27, 2017). The p.Thr757 residue is conserved across mammals and other organisms and 5 of 5 computational analyses (PolyPhen-2, SIFT, AlignGVGD, BLOSUM, MutationTaster) suggest that the variant may impact the protein; however, this information is not predictive enough to assume pathogenicity. The variant occurs outside of the splicing consensus sequence and in silico or computational prediction software programs (SpliceSiteFinder, MaxEntScan, NNSPLICE, GeneSplicer) do not predict a difference in splicing. The variant is co-occurring with a pathogenic variant (MSH6 c.3332_3335dup, p.Asp1112Glufs*2), decreasing the likelihood that this variant has clinical significance. In summary, based on the above information, the clinical significance of this variant cannot be determined with certainty at this time. This variant is classified as a variant of uncertain significance.